The following is an entry in ClinVar:

ClinVar aggregate classification (germline): Uncertain significance. Review status: criteria provided, multiple submitters, no conflicts (2 of 4 stars). 4 submissions from 4 submitters: Uncertain significance (4). Last evaluated 2024-07-01.

Conditions:
Hereditary cancer-predisposing syndrome. Also called: Neoplastic Syndromes, Hereditary; Tumor predisposition; Hereditary Cancer Syndrome; Hereditary neoplastic syndrome. Identifiers: Orphanet 140162, MedGen C0027672, MeSH D009386, MONDO:0015356.
Nijmegen breakage syndrome-like disorder (NBSLD). Also called: MICROCEPHALY AND SPONTANEOUS CHROMOSOME INSTABILITY WITHOUT IMMUNODEFICIENCY; NBS-LIKE DISORDER; RAD50 DEFICIENCY. Identifiers: Orphanet 240760, MedGen C2751318, MONDO:0013118, OMIM 613078.

gnomAD v4.1: 6 of 1,613,760 alleles (0.00037%); highest among the groups gnomAD compares: South Asian, 0.0022%; no homozygotes.

Submissions (4):

Ambry Genetics
Classification: Uncertain significance for Hereditary cancer-predisposing syndrome. Last evaluated: 2024-07-01. Review status: criteria provided, single submitter. Criteria: Ambry Variant Classification Scheme 2023. Collection method: clinical testing. Allele origin: germline.
Comment: The p.P165L variant (also known as c.494C>T), located in coding exon 4 of the RAD50 gene, results from a C to T substitution at nucleotide position 494. The proline at codon 165 is replaced by leucine, an amino acid with similar properties. This variant was not reported in population based cohorts in the following databases: Database of Single Nucleotide Polymorphisms (dbSNP), NHLBI Exome Sequencing Project (ESP), and 1000 Genomes Project. In the ESP, this variant was not observed in 6503 samples (13006 alleles) with coverage at this position. To date, this alteration has been detected with an allele frequency of approximately 0.001% (greater than 175000 alleles tested) in our clinical cohort. This amino acid position is highly conserved in available vertebrate species. In addition, this alteration is predicted to be deleterious by in silico analysis. Since supporting evidence is limited at this time, the clinical significance of this alteration remains unclear.

Baylor Genetics
Classification: Uncertain significance for Nijmegen breakage syndrome-like disorder. Last evaluated: 2023-05-16. Review status: criteria provided, single submitter. Criteria: ACMG Guidelines, 2015. Collection method: clinical testing. Allele origin: unknown.

Labcorp Genetics (formerly Invitae), Labcorp
Classification: Uncertain significance for Hereditary cancer-predisposing syndrome. Last evaluated: 2021-11-09. Review status: criteria provided, single submitter. Criteria: Invitae Variant Classification Sherloc (09022015). Collection method: clinical testing. Allele origin: germline.
Comment: This sequence change replaces proline, which is neutral and non-polar, with leucine, which is neutral and non-polar, at codon 165 of the RAD50 protein (p.Pro165Leu). This variant is present in population databases (no rsID available, gnomAD 0.003%). This variant has not been reported in the literature in individuals affected with RAD50-related conditions. ClinVar contains an entry for this variant (Variation ID: 482129). Algorithms developed to predict the effect of missense changes on protein structure and function (SIFT, PolyPhen-2, Align-GVGD) all suggest that this variant is likely to be disruptive. In summary, the available evidence is currently insufficient to determine the role of this variant in disease. Therefore, it has been classified as a Variant of Uncertain Significance.

Breakthrough Genomics
Classification: Uncertain significance. Review status: criteria provided, single submitter. Criteria: ACMG Guidelines, 2015. Collection method: not provided. Allele origin: germline. Inheritance: Autosomal recessive inheritance. Affected: yes.

NM_005732.4(RAD50):c.494C>T (p.Pro165Leu)

Gene: RAD50 (RAD50 double strand break repair protein; plus strand). Cytogenetic location: 5q31.1.
Variant type: single nucleotide variant.
Coding change: c.494C>T on transcript NM_005732.4 (MANE Select); coding-DNA position 494, C replaced by T.
Protein change: p.Pro165Leu; replaces proline 165 with leucine.
Molecular consequence: missense variant.
Genome position (GRCh38, 1-based): chr5:132,579,445, C>T. VCF-style: chr5-132579445-C-T. GRCh37 (hg19) VCF-style: chr5-131915137-C-T.
Other names: short protein forms P165L.
Identifiers: ClinVar variation 482129 (VCV000482129.14), dbSNP rs104895044, ClinGen allele CA360934631.